The following is an entry in ClinVar:

NM_001035.3(RYR2):c.11146-15G>T

Gene: RYR2 (ryanodine receptor 2; plus strand). Cytogenetic location: 1q43.
Variant type: single nucleotide variant.
Coding change: c.11146-15G>T on transcript NM_001035.3 (MANE Select); 15 bases into the intron before coding-DNA position 11146, G replaced by T.
Molecular consequence: intron variant.
Genome position (GRCh38, 1-based): chr1:237,756,273, G>T. VCF-style: chr1-237756273-G-T. GRCh37 (hg19) VCF-style: chr1-237919573-G-T.
Identifiers: ClinVar variation 1593284 (VCV001593284.10), dbSNP rs1692945934, ClinGen allele CA2487471285.
Genomic context (GRCh38, chr1:237,756,273, plus strand): 5'-ACTAAAAATATGGTCTGTAGAAATCTGTTGTGCTTACTGATACCCTCAACATAAATGGTT[G>T]GGATTTGTGTTCAGGAAAAAGAAATGGAAAAGCAAAAGCTTCTATACCAGCAAGCCCGAC-3'

ClinVar aggregate classification (germline): Conflicting classifications of pathogenicity. Review status: criteria provided, conflicting classifications (1 of 4 stars). 2 submissions from 2 submitters: Uncertain significance (1); Likely benign (1). Last evaluated 2024-11-24.

Conditions:
Catecholaminergic polymorphic ventricular tachycardia 1. Also called: VENTRICULAR TACHYCARDIA, STRESS-INDUCED POLYMORPHIC 1; VENTRICULAR TACHYCARDIA, CATECHOLAMINERGIC POLYMORPHIC, 1, WITH OR WITHOUT ATRIAL DYSFUNCTION AND/OR DILATED CARDIOMYOPATHY; RYR2-Related Catecholaminergic Polymorphic Ventricular Tachycardia. Identifiers: Orphanet 3286, MedGen C1631597, MONDO:0011484, OMIM 604772.
Catecholaminergic polymorphic ventricular tachycardia (CVPT). Also called: Catecholamine-induced polymorphic ventricular tachycardia. Identifiers: Orphanet 3286, MedGen C5574922, MONDO:0017990.

Allele frequency attached by ClinVar (database versions not stated): TOPMed 0.00001.
gnomAD v4.1: 2 of 1,567,058 alleles (0.00013%); highest among the groups gnomAD compares: African/African-American, 0.0014%; no homozygotes.

Submissions (2):

Labcorp Genetics (formerly Invitae), Labcorp
Classification: Likely benign for Catecholaminergic polymorphic ventricular tachycardia 1. Last evaluated: 2024-11-24. Review status: criteria provided, single submitter. Criteria: Invitae Variant Classification Sherloc (09022015). Collection method: clinical testing. Allele origin: germline.

All of Us Research Program, National Institutes of Health
Classification: Uncertain significance for Catecholaminergic polymorphic ventricular tachycardia. Last evaluated: 2023-09-09. Review status: criteria provided, single submitter. Criteria: ACMG Guidelines, 2015. Collection method: clinical testing. Allele origin: germline. Inheritance: Autosomal dominant inheritance. Observed: 2 variant alleles, 2 heterozygotes.
Comment: This variant causes a G to T nucleotide substitution at the -15 position of intron 80 of the RYR2 gene. Splice prediction tools and conservation analysis are inconclusive regarding the impact of this variant on RNA splicing. To our knowledge, functional studies have not been reported for this variant. This variant has not been reported in individuals affected with RYR2-related disorders in the literature. This variant has not been identified in the general population by the Genome Aggregation Database (gnomAD). The available evidence is insufficient to determine the role of this variant in disease conclusively. Therefore, this variant is classified as a Variant of Uncertain Significance.

This study involves interpretation of variants in research participants for the purpose of population health screening. Participant phenotype was not available at the time of variant classification. Additional details can be found in publication PMID: 35346344, PMCID: PMC8962531